The following is an entry in ClinVar:

ClinVar aggregate classification (germline): Uncertain significance (1 of 4 stars; one submission).

Conditions:
Early-infantile DEE. Also called: Ohtahara syndrome; Early infantile epileptic encephalopathy with suppression bursts; Early infantile epileptic encephalopathy. Identifiers: Orphanet 1934, MedGen C0393706, MONDO:0800491.

Submission:

Labcorp Genetics (formerly Invitae), Labcorp
Classification: Uncertain significance for Early-infantile DEE. Last evaluated: 2019-12-03. Review status: criteria provided, single submitter. Criteria: Invitae Variant Classification Sherloc (09022015). Collection method: clinical testing. Allele origin: germline.
Comment: In summary, the available evidence is currently insufficient to determine the role of this variant in disease. Therefore, it has been classified as a Variant of Uncertain Significance. Algorithms developed to predict the effect of missense changes on protein structure and function (SIFT, PolyPhen-2, Align-GVGD) all suggest that this variant is likely to be disruptive, but these predictions have not been confirmed by published functional studies and their clinical significance is uncertain. This variant has been observed in several individuals affected with SCN1A-related conditions (PMID: 23195492, Invitae). This variant is not present in population databases (ExAC no frequency). This sequence change replaces phenylalanine with serine at codon 178 of the SCN1A protein (p.Phe178Ser). The phenylalanine residue is highly conserved and there is a large physicochemical difference between phenylalanine and serine.

Literature cited by the submitters: PubMed 23195492.

NM_001165963.4(SCN1A):c.533T>C (p.Phe178Ser)

Gene: SCN1A (sodium voltage-gated channel alpha subunit 1; minus strand). Cytogenetic location: 2q24.3.
Variant type: single nucleotide variant.
Coding change: c.533T>C on transcript NM_001165963.4 (MANE Select); coding-DNA position 533, T replaced by C.
Protein change: p.Phe178Ser; replaces phenylalanine 178 with serine.
Molecular consequence: missense variant. On other transcripts: 5 prime UTR variant (1), non-coding transcript variant (1).
Genome position (GRCh38, 1-based): chr2:166,054,707, A>G on the plus strand (T>C on the coding strand, the complement: SCN1A is on the minus strand). VCF-style: chr2-166054707-A-G. GRCh37 (hg19) VCF-style: chr2-166911217-A-G.
Other names: c.533T>C, p.Phe178Ser (NM_001165964.3, NM_001202435.3, NM_001353948.2 and 10 more transcripts); c.-1893T>C (NM_001353961.2); short protein forms F178S.
Identifiers: ClinVar variation 843730 (VCV000843730.10), dbSNP rs1698951764, ClinGen allele CA349075518.
Genomic context (GRCh38, chr2:166,054,707, plus strand): 5'-ATGACAGTGAAATCGAGCCAGTTCCATGGATCCCGAAGGAAAGTAAAATCTTCTAAACAG[A>G]ATCCCCTTGCAATAATTTTTATAAGTGATTCAAAAGTATATATTCCTGTGAAGGTGTATC-3'
Protein context (NP_001159435.1, residues 168-188): ESLIKIIARG[Phe178Ser]CLEDFTFLRD